The following is an entry in ClinVar:

NM_004813.4(PEX16):c.859C>T (p.Arg287Cys)

Gene: PEX16 (peroxisomal biogenesis factor 16; minus strand). Cytogenetic location: 11p11.2.
Variant type: single nucleotide variant.
Coding change: c.859C>T on transcript NM_004813.4 (MANE Select); coding-DNA position 859, C replaced by T.
Protein change: p.Arg287Cys; replaces arginine 287 with cysteine.
Molecular consequence: missense variant.
Genome position (GRCh38, 1-based): chr11:45,913,847, G>A on the plus strand (C>T on the coding strand, the complement: PEX16 is on the minus strand). VCF-style: chr11-45913847-G-A. GRCh37 (hg19) VCF-style: chr11-45935398-G-A.
Other names: c.859C>T (NM_004813.3); c.859C>T, p.Arg287Cys (NM_057174.3); short protein forms R287C.
Identifiers: ClinVar variation 561075 (VCV000561075.18), dbSNP rs769772100, ClinGen allele CA5959797.

ClinVar aggregate classification (germline): Pathogenic/Likely pathogenic. Review status: criteria provided, multiple submitters, no conflicts (2 of 4 stars). 7 submissions from 6 submitters: Pathogenic (2); Likely pathogenic (4). 1 of the submissions does not count toward it. Last evaluated 2026-01-26.

Conditions:
Peroxisome biogenesis disorder 8A (Zellweger). Also called: Peroxisome biogenesis disorder 8A. Identifiers: Orphanet 912, MedGen C3553959, MONDO:0013942, OMIM 614876.
Peroxisome biogenesis disorder 8B (PBD8B). Identifiers: Orphanet 44, MedGen C3553960, MONDO:0013943, OMIM 614877.
Peroxisome biogenesis disorder. Identifiers: Orphanet 79189, MedGen C1832200, MONDO:0019234. Disease mechanism: loss of function.

Allele frequency attached by ClinVar (database versions not stated): gnomAD 0.00001; gnomAD exomes 0.00001; TOPMed 0.00001; ExAC 0.00002.
gnomAD v4.1: 11 of 1,613,640 alleles (0.00068%); highest among the groups gnomAD compares: South Asian, 0.0022%; no homozygotes.

Submissions (7):

Labcorp Genetics (formerly Invitae), Labcorp
Classification: Pathogenic for Peroxisome biogenesis disorder. Last evaluated: 2026-01-26. Review status: criteria provided, single submitter. Criteria: Invitae Variant Classification Sherloc (09022015). Collection method: clinical testing. Allele origin: germline.
Comment: This sequence change replaces arginine, which is basic and polar, with cysteine, which is neutral and slightly polar, at codon 287 of the PEX16 protein (p.Arg287Cys). This variant is present in population databases (rs769772100, gnomAD 0.004%). This missense change has been observed in individual(s) with clinical features of peroxisome biogenesis disorder (PMID: 30078639). It has also been observed to segregate with disease in related individuals. ClinVar contains an entry for this variant (Variation ID: 561075). Invitae Evidence Modeling of protein sequence and biophysical properties (such as structural, functional, and spatial information, amino acid conservation, physicochemical variation, residue mobility, and thermodynamic stability) indicates that this missense variant is expected to disrupt PEX16 protein function with a positive predictive value of 80%. This variant disrupts the p.Arg287 amino acid residue in PEX16. Other variant(s) that disrupt this residue have been observed in individuals with PEX16-related conditions (PMID: 31227335), which suggests that this may be a clinically significant amino acid residue. For these reasons, this variant has been classified as Pathogenic.

Women's Health and Genetics/Laboratory Corporation of America, LabCorp
Classification: Pathogenic for Peroxisome biogenesis disorder. Last evaluated: 2025-02-17. Review status: criteria provided, single submitter. Criteria: LabCorp Variant Classification Summary - May 2015. Collection method: clinical testing. Allele origin: germline.
Comment: Variant summary: PEX16 c.859C>T (p.Arg287Cys) results in a non-conservative amino acid change in the encoded protein sequence. Four of five in-silico tools predict a damaging effect of the variant on protein function. The variant allele was found at a frequency of 1.2e-05 in 250094 control chromosomes.. c.859C>T has been reported in the literature in three siblings from the same family who were affected with Peroxisome Biogenesis Disorders, Zellweger Syndrome Spectrum (e.g., Al-Shamsi_2016, Zaabi_2019). These data indicate that the variant is very likely to be associated with disease. To our knowledge, no experimental evidence demonstrating an impact on protein function has been reported. The following publications have been ascertained in the context of this evaluation (PMID: 27391121, 30078639). ClinVar contains an entry for this variant (Variation ID: 561075). Based on the evidence outlined above, the variant was classified as pathogenic.

Dubai Health Genomic Medicine Center, Dubai Health
Classification: Likely pathogenic for Peroxisome biogenesis disorder 8B. Last evaluated: 2024-10-04. Review status: criteria provided, single submitter. Criteria: ACMG Guidelines, 2015. Collection method: research. Allele origin: germline. Affected: yes.
Comment: PP1,PM2,PM3(strong),PM5

Clinical Genetics Laboratory, Skane University Hospital Lund
Classification: Likely pathogenic. Last evaluated: 2022-12-16. Review status: criteria provided, single submitter. Criteria: ACMG Guidelines, 2015. Collection method: clinical testing. Allele origin: germline. Affected: yes.

Revvity Omics, Revvity
Classification: Likely pathogenic. Last evaluated: 2021-12-16. Review status: criteria provided, single submitter. Criteria: ACMG Guidelines, 2015. Collection method: clinical testing. Allele origin: germline.

Baylor Genetics
Classification: Likely pathogenic for Peroxisome biogenesis disorder 8A (Zellweger). Review status: criteria provided, single submitter. Criteria: ACMG Guidelines, 2015. Collection method: clinical testing. Allele origin: unknown.

Baylor Genetics
Classification: Uncertain significance for Peroxisome biogenesis disorder 8B. Last evaluated: 2017-09-01. Review status: flagged submission. Criteria: ACMG Guidelines, 2015. Collection method: clinical testing. Allele origin: germline. Inheritance: Autosomal recessive inheritance. Affected: yes. Not counted in ClinVar's aggregate classification.
ClinVar note: Notes: Lab says "likely pathogenicity" in evidence summary but submitted an interpretation of uncertain significance.
ClinVar note: Reason: Other submission error

Literature cited by the submitters: PubMed 30078639 (cited by Labcorp Genetics (formerly Invitae), Labcorp and Women's Health and Genetics/Laboratory Corporation of America, LabCorp); PubMed 31227335 (cited by Labcorp Genetics (formerly Invitae), Labcorp); PubMed 27391121 (cited by Women's Health and Genetics/Laboratory Corporation of America, LabCorp); PubMed 25326635 (cited by Baylor Genetics).